The following is an entry in ClinVar:

ClinVar aggregate classification (germline): Uncertain significance (1 of 4 stars; one submission).

Submission:

Labcorp Genetics (formerly Invitae), Labcorp
Classification: Uncertain significance. Last evaluated: 2025-12-25. Review status: criteria provided, single submitter. Criteria: Invitae Variant Classification Sherloc (09022015). Collection method: clinical testing. Allele origin: germline.
Comment: This sequence change creates a premature translational stop signal (p.Gln382*) in the DHX32 gene. It is expected to result in an absent or disrupted protein product. However, the current clinical and genetic evidence is not sufficient to establish whether loss-of-function variants in DHX32 cause disease. This variant is not present in population databases (gnomAD no frequency). This variant has not been reported in the literature in individuals affected with DHX32-related conditions. ClinVar contains an entry for this variant (Variation ID: 1982726). In summary, the available evidence is currently insufficient to determine the role of this variant in disease. Therefore, it has been classified as a Variant of Uncertain Significance.

NM_018180.3(DHX32):c.1144C>T (p.Gln382Ter)

Genes: BCCIP (BRCA2 and CDKN1A interacting protein; plus strand), DHX32 (DEAH-box helicase 32 (putative); minus strand). Cytogenetic location: 10q26.2.
Variant type: single nucleotide variant.
Coding change: c.1144C>T on transcript NM_018180.3 (MANE Select); coding-DNA position 1144, C replaced by T.
Protein change: p.Gln382Ter; replaces glutamine 382 with a stop codon.
Molecular consequence: nonsense. On other transcripts: intron variant (1).
Genome position (GRCh38, 1-based): chr10:125,852,591, G>A on the plus strand (C>T on the coding strand, the complement: DHX32 is on the minus strand). VCF-style: chr10-125852591-G-A. GRCh37 (hg19) VCF-style: chr10-127541160-G-A.
Other names: c.851-534G>A (NM_016567.4); short protein forms Q382*.
Identifiers: ClinVar variation 1982726 (VCV001982726.3), dbSNP rs2494417427, ClinGen allele CA378675724.
Genomic context (GRCh38, chr10:125,852,591, plus strand): 5'-CCACAGCACTACCTGAAGAAGATGAGCCAAGAATCTGCTTGCGTATCTCTGCCTGGCTCT[G>A]GCTGATGGGCTGCATGACGAGCGAGTTTGCTCTTATTCTCGGGTTGTACACCTTTAAATG-3'